The following is an entry in ClinVar:

ClinVar aggregate classification (germline): Uncertain significance (1 of 4 stars; one submission).

Allele frequency attached by ClinVar (database versions not stated): TOPMed below 0.00001.

Submission:

GeneDx
Classification: Uncertain significance. Last evaluated: 2022-03-29. Review status: criteria provided, single submitter. Criteria: GeneDx Variant Classification Process June 2021. Collection method: clinical testing. Allele origin: germline. Affected: yes.
Comment: Has not been previously published as pathogenic or benign to our knowledge; Not observed at significant frequency in large population cohorts (gnomAD); In silico analysis supports that this missense variant does not alter protein structure/function

NM_022114.4(PRDM16):c.466T>C (p.Phe156Leu)

Gene: PRDM16 (PR/SET domain 16; plus strand). Cytogenetic location: 1p36.32.
Variant type: single nucleotide variant.
Coding change: c.466T>C on transcript NM_022114.4 (MANE Select); coding-DNA position 466, T replaced by C.
Protein change: p.Phe156Leu; replaces phenylalanine 156 with leucine.
Molecular consequence: missense variant.
Genome position (GRCh38, 1-based): chr1:3,385,179, T>C. VCF-style: chr1-3385179-T-C. GRCh37 (hg19) VCF-style: chr1-3301743-T-C.
Other names: c.466T>C, p.Phe156Leu (NM_199454.3); short protein forms F156L.
Identifiers: ClinVar variation 1707862 (VCV001707862.2), dbSNP rs1643175130, ClinGen allele CA338000394.
Genomic context (GRCh38, chr1:3,385,179, plus strand): 5'-CCTCTGACTCCCGCTTCGCTTTCCTCCCAGCAGATCTCCGAAGACCTGGGCAGTGAGAAG[T>C]TCTGCGTGGATGCAAATCAGGCGGGGGCTGGCAGCTGGCTCAAGTACATCCGTGTGGCGT-3'
Protein context (NP_071397.3, residues 146-166): KISEDLGSEK[Phe156Leu]CVDANQAGAG